The following is an entry in ClinVar:

ClinVar aggregate classification (germline): Benign (1 of 4 stars; one submission).

Conditions:
Heterotaxy, visceral, 4, autosomal (HTX4). Identifiers: Orphanet 450, MedGen C3151057, MONDO:0013403, OMIM 613751.

Allele frequency attached by ClinVar (database versions not stated): 1000 Genomes Project 0.00040; gnomAD 0.00058 and 0.00059; 1000 Genomes Project 30x 0.00062; TOPMed 0.00066.

Submission:

Illumina Laboratory Services, Illumina
Classification: Benign for Heterotaxy, visceral, 4, autosomal. Last evaluated: 2018-01-13. Review status: criteria provided, single submitter. Criteria: ICSL Variant Classification Criteria 13 December 2019. Collection method: clinical testing. Allele origin: germline.
Comment: This variant was observed in the ICSL laboratory as part of a predisposition screen in an ostensibly healthy population. It had not been previously curated by ICSL or reported in the Human Gene Mutation Database (HGMD: prior to June 1st, 2018), and was therefore a candidate for classification through an automated scoring system. Utilizing variant allele frequency, disease prevalence and penetrance estimates, and inheritance mode, an automated score was calculated to assess if this variant is too frequent to cause the disease. Based on the score and internal cut-off values, a variant classified as benign is not then subjected to further curation. The score for this variant resulted in a classification of benign for this disease.

NM_001106.4(ACVR2B):c.*6156C>T

Gene: ACVR2B (activin A receptor type 2B; plus strand). Cytogenetic location: 3p22.2.
Variant type: single nucleotide variant.
Coding change: c.*6156C>T on transcript NM_001106.4 (MANE Select); 6156 bases downstream of the stop codon, C replaced by T.
Molecular consequence: 3 prime UTR variant.
Genome position (GRCh38, 1-based): chr3:38,489,488, C>T. VCF-style: chr3-38489488-C-T. GRCh37 (hg19) VCF-style: chr3-38530979-C-T.
Identifiers: ClinVar variation 900525 (VCV000900525.4), dbSNP rs184122552, ClinGen allele CA72932538.